The following is an entry in ClinVar:

NM_001558.4(IL10RA):c.158A>C (p.Glu53Ala)

Gene: IL10RA (interleukin 10 receptor subunit alpha; plus strand). Cytogenetic location: 11q23.3.
Variant type: single nucleotide variant.
Coding change: c.158A>C on transcript NM_001558.4 (MANE Select); coding-DNA position 158, A replaced by C.
Protein change: p.Glu53Ala; replaces glutamic acid 53 with alanine.
Molecular consequence: missense variant. On other transcripts: non-coding transcript variant (1).
Genome position (GRCh38, 1-based): chr11:117,988,472, A>C. VCF-style: chr11-117988472-A-C. GRCh37 (hg19) VCF-style: chr11-117859187-A-C.
Other names: short protein forms E53A.
Identifiers: ClinVar variation 1485640 (VCV001485640.5), dbSNP rs2134981745, ClinGen allele CA382772933.

ClinVar aggregate classification (germline): Uncertain significance (1 of 4 stars; one submission).

Conditions:
Inflammatory bowel disease 28. Also called: Inflammatory bowel disease 28, early onset, autosomal recessive. Identifiers: Orphanet 238569, MedGen C2751053, MONDO:0013153, OMIM 613148.

Submission:

Labcorp Genetics (formerly Invitae), Labcorp
Classification: Uncertain significance for Inflammatory bowel disease 28. Last evaluated: 2022-07-15. Review status: criteria provided, single submitter. Criteria: Invitae Variant Classification Sherloc (09022015). Collection method: clinical testing. Allele origin: germline.
Comment: This sequence change replaces glutamic acid, which is acidic and polar, with alanine, which is neutral and non-polar, at codon 53 of the IL10RA protein (p.Glu53Ala). This variant is not present in population databases (gnomAD no frequency). This variant has not been reported in the literature in individuals affected with IL10RA-related conditions. ClinVar contains an entry for this variant (Variation ID: 1485640). Algorithms developed to predict the effect of missense changes on protein structure and function (SIFT, PolyPhen-2, Align-GVGD) all suggest that this variant is likely to be tolerated. In summary, the available evidence is currently insufficient to determine the role of this variant in disease. Therefore, it has been classified as a Variant of Uncertain Significance.